The following is an entry in ClinVar:

NM_001166114.2(PNPLA6):c.3095G>C (p.Ser1032Thr)

Gene: PNPLA6 (patatin like domain 6, lysophospholipase; plus strand). Cytogenetic location: 19p13.2.
Variant type: single nucleotide variant.
Coding change: c.3095G>C on transcript NM_001166114.2 (MANE Select); coding-DNA position 3095, G replaced by C.
Protein change: p.Ser1032Thr; replaces serine 1032 with threonine.
Molecular consequence: missense variant.
Genome position (GRCh38, 1-based): chr19:7,556,454, G>C. VCF-style: chr19-7556454-G-C. GRCh37 (hg19) VCF-style: chr19-7621340-G-C.
Other names: p.Ser994Thr; c.3125G>C, p.Ser1042Thr (NM_001166111.2); c.2900G>C, p.Ser967Thr (NM_001166112.2); c.2981G>C, p.Ser994Thr (NM_001166113.1, NM_006702.5); short protein forms S994T, S1042T, S967T, S1032T.
Identifiers: ClinVar variation 240694 (VCV000240694.13), dbSNP rs377449787, ClinGen allele CA9140341.
Genomic context (GRCh38, chr19:7,556,454, plus strand): 5'-AACCTTATCTGTGACCCCATGTAACTCCTATTTGACCCTGTCTGGCCCCTTGTCCCTAGA[G>C]CATGACTTCGGTGCTGGAACCTGTGTTGGACCTCACGTACCCAGTCACCTCCATGTTCAC-3'
Protein context (NP_001159586.1, residues 1022-1042): TKQRAREWAK[Ser1032Thr]MTSVLEPVLD

ClinVar aggregate classification (germline): Uncertain significance. Review status: criteria provided, multiple submitters, no conflicts (2 of 4 stars). 6 submissions from 6 submitters: Uncertain significance (6). Last evaluated 2025-01-01.

Conditions:
Inborn genetic diseases. Identifiers: MedGen C0950123, MeSH D030342.
Trichomegaly-retina pigmentary degeneration-dwarfism syndrome (OMCS). Also called: OLIVER-MCFARLANE SYNDROME; Oliver-McFarlane Syndrome (OMCS); Eyelashes long mental retardation; Trichomegaly retina pigmentary degeneration dwarfism. Identifiers: Orphanet 3363, MedGen C1848745, MONDO:0010152, OMIM 275400.
Ataxia-hypogonadism-choroidal dystrophy syndrome (BNHS). Also called: Boucher-Neuhäuser Syndrome (BNS); Chorioretinal dystrophy, spinocerebellar ataxia and hypogonadotropic hypogonadism. Identifiers: Orphanet 1180, MedGen C1859093, MONDO:0008980, OMIM 215470.
Laurence-Moon syndrome (LNMS). Also called: PNPLA6-Related Laurence-Moon Syndrome (LMS). Identifiers: Orphanet 2377, MedGen C0023138, MONDO:0009514, OMIM 245800.
Hereditary spastic paraplegia 39 (SPG39). Also called: Spastic Paraplegia Type 39 (SPG39); SPASTIC PARAPLEGIA 39, AUTOSOMAL RECESSIVE. Identifiers: Orphanet 139480, MedGen C2677586, MONDO:0012787, OMIM 612020.

Allele frequency attached by ClinVar (database versions not stated): ExAC 0.00002; gnomAD exomes 0.00003; TOPMed 0.00006.
gnomAD v4.1: 59 of 1,602,150 alleles (0.0037%); highest among the groups gnomAD compares: East Asian, 0.018%; no homozygotes.

Submissions (6):

Labcorp Genetics (formerly Invitae), Labcorp
Classification: Uncertain significance for Hereditary spastic paraplegia 39. Last evaluated: 2025-01-01. Review status: criteria provided, single submitter. Criteria: Invitae Variant Classification Sherloc (09022015). Collection method: clinical testing. Allele origin: germline.
Comment: This sequence change replaces serine, which is neutral and polar, with threonine, which is neutral and polar, at codon 994 of the PNPLA6 protein (p.Ser994Thr). This variant is present in population databases (rs377449787, gnomAD 0.02%). This variant has not been reported in the literature in individuals affected with PNPLA6-related conditions. ClinVar contains an entry for this variant (Variation ID: 240694). An algorithm developed to predict the effect of missense changes on protein structure and function (PolyPhen-2) suggests that this variant¬†is likely to be tolerated. In summary, the available evidence is currently insufficient to determine the role of this variant in disease. Therefore, it has been classified as a Variant of Uncertain Significance.

Blueprint Genetics
Classification: Uncertain significance. Last evaluated: 2024-09-13. Review status: criteria provided, single submitter. Criteria: ACMG Guidelines, 2015. Collection method: clinical testing. Allele origin: germline.

Ambry Genetics
Classification: Uncertain significance for Inborn genetic diseases. Last evaluated: 2024-03-25. Review status: criteria provided, single submitter. Criteria: Ambry Variant Classification Scheme 2023. Collection method: clinical testing. Allele origin: germline.

Mayo Clinic Laboratories, Mayo Clinic
Classification: Uncertain significance. Last evaluated: 2023-05-01. Review status: criteria provided, single submitter. Criteria: ACMG Guidelines, 2015. Collection method: clinical testing. Allele origin: germline. Observed: 1 variant allele.
Comment: BP4

Fulgent Genetics
Classification: Uncertain significance for Ataxia-hypogonadism-choroidal dystrophy syndrome; Laurence-Moon syndrome; Trichomegaly-retina pigmentary degeneration-dwarfism syndrome; Hereditary spastic paraplegia 39. Last evaluated: 2018-10-31. Review status: criteria provided, single submitter. Criteria: ACMG Guidelines, 2015. Collection method: clinical testing. Allele origin: unknown.

Illumina Laboratory Services, Illumina
Classification: Uncertain significance for Hereditary spastic paraplegia 39. Last evaluated: 2018-01-12. Review status: criteria provided, single submitter. Criteria: ICSL Variant Classification Criteria 13 December 2019. Collection method: clinical testing. Allele origin: germline.